The following is an entry in ClinVar:

NM_022089.4(ATP13A2):c.1903C>T (p.Gln635Ter)

Gene: ATP13A2 (ATPase cation transporting 13A2; minus strand). Cytogenetic location: 1p36.13.
Variant type: single nucleotide variant.
Coding change: c.1903C>T on transcript NM_022089.4 (MANE Select); coding-DNA position 1903, C replaced by T.
Protein change: p.Gln635Ter; replaces glutamine 635 with a stop codon.
Molecular consequence: nonsense.
Genome position (GRCh38, 1-based): chr1:16,992,345, G>A on the plus strand (C>T on the coding strand, the complement: ATP13A2 is on the minus strand). VCF-style: chr1-16992345-G-A. GRCh37 (hg19) VCF-style: chr1-17318840-G-A.
Other names: c.1888C>T, p.Gln630Ter (NM_001141973.3, NM_001141974.3); short protein forms Q635*, Q630*.
Identifiers: ClinVar variation 465252 (VCV000465252.13), dbSNP rs773246271, ClinGen allele CA637037.

ClinVar aggregate classification (germline): Pathogenic/Likely pathogenic. Review status: criteria provided, multiple submitters, no conflicts (2 of 4 stars). 6 submissions from 6 submitters: Pathogenic (5); Likely pathogenic (1). Last evaluated 2025-10-28.

Conditions:
ATP13A2-related disorder. Also called: ATP13A2-related disorders; ATP13A2-related condition.
Autosomal recessive spastic paraplegia type 78. Identifiers: Orphanet 513436, MedGen C5567893, MONDO:0014975, OMIM 617225.
Kufor-Rakeb syndrome (KRS). Also called: PARKINSON DISEASE 9, AUTOSOMAL RECESSIVE, JUVENILE-ONSET. Identifiers: Orphanet 306674, Orphanet 314632, MedGen C1847640, MONDO:0011706, OMIM 606693.
Inborn genetic diseases. Identifiers: MedGen C0950123, MeSH D030342.

Allele frequency attached by ClinVar (database versions not stated): gnomAD exomes below 0.00001 and 0.00003; ExAC 0.00001; gnomAD 0.00003; TOPMed 0.00003.
gnomAD v4.1: 46 of 1,613,016 alleles (0.0029%); highest among the groups gnomAD compares: Non-Finnish European, 0.0038%; no homozygotes.

Submissions (6):

Labcorp Genetics (formerly Invitae), Labcorp
Classification: Pathogenic for Kufor-Rakeb syndrome; Autosomal recessive spastic paraplegia type 78. Last evaluated: 2025-10-28. Review status: criteria provided, single submitter. Criteria: Invitae Variant Classification Sherloc (09022015). Collection method: clinical testing. Allele origin: germline.
Comment: This sequence change creates a premature translational stop signal (p.Gln635*) in the ATP13A2 gene. It is expected to result in an absent or disrupted protein product. Loss-of-function variants in ATP13A2 are known to be pathogenic (PMID: 16964263, 21696388). This variant is present in population databases (rs773246271, gnomAD 0.002%). This variant has not been reported in the literature in individuals affected with ATP13A2-related conditions. ClinVar contains an entry for this variant (Variation ID: 465252). For these reasons, this variant has been classified as Pathogenic.

Blueprint Genetics
Classification: Likely pathogenic for ATP13A2-related disorders. Last evaluated: 2024-11-08. Review status: criteria provided, single submitter. Criteria: ACMG Guidelines, 2015. Collection method: clinical testing. Allele origin: germline. Affected: yes. Observed: 2 variant alleles.

Ambry Genetics
Classification: Pathogenic for Inborn genetic diseases. Last evaluated: 2024-08-09. Review status: criteria provided, single submitter. Criteria: Ambry Variant Classification Scheme 2023. Collection method: clinical testing. Allele origin: germline.
Comment: The c.1903C>T (p.Q635*) alteration, located in exon 18 (coding exon 18) of the ATP13A2 gene, consists of a C to T substitution at nucleotide position 1903. This changes the amino acid from a glutamine (Q) to a stop codon at amino acid position 635. This alteration is expected to result in loss of function by premature protein truncation or nonsense-mediated mRNA decay. Based on data from gnomAD, the T allele has an overall frequency of 0.001% (2/277748) total alleles studied. The highest observed frequency was 0.002% (2/125516) of European (non-Finnish) alleles. Based on the available evidence, this alteration is classified as pathogenic.

AiLife Diagnostics
Classification: Pathogenic. Last evaluated: 2022-02-26. Review status: criteria provided, single submitter. Criteria: ACMG Guidelines, 2015. Collection method: clinical testing. Allele origin: germline. Affected: yes. Observed: 1 variant allele.

Baylor Genetics
Classification: Pathogenic for Autosomal recessive spastic paraplegia type 78. Last evaluated: 2019-08-13. Review status: criteria provided, single submitter. Criteria: ACMG Guidelines, 2015. Collection method: clinical testing. Allele origin: unknown. Affected: yes.
Comment: This variant was determined to be pathogenic according to ACMG Guidelines, 2015 [PMID:25741868].

Fulgent Genetics
Classification: Pathogenic for Kufor-Rakeb syndrome; Autosomal recessive spastic paraplegia type 78. Last evaluated: 2018-10-31. Review status: criteria provided, single submitter. Criteria: ACMG Guidelines, 2015. Collection method: clinical testing. Allele origin: unknown.

Literature cited by the submitters: PubMed 16964263 (cited by Labcorp Genetics (formerly Invitae), Labcorp); PubMed 21696388 (cited by Labcorp Genetics (formerly Invitae), Labcorp).